The following is an entry in ClinVar:

NM_001376013.1(EPB41):c.1952_1955del (p.Arg651fs)

Gene: EPB41 (erythrocyte membrane protein band 4.1; plus strand). Cytogenetic location: 1p35.3.
Variant type: Microsatellite.
Coding change: c.1952_1955del on transcript NM_001376013.1 (MANE Select); coding-DNA positions 1952 to 1955, 4 bases deleted (GAGA; older notation c.1952_1955delGAGA).
Protein change: p.Arg651fs; shifts the reading frame from arginine 651.
Molecular consequence: frameshift variant. On other transcripts: intron variant (8).
Genome position (GRCh38, 1-based): chr1:29,060,429-29,060,432, GAGA deleted; deleting any 4 consecutive bases within chr1:29,060,426-29,060,432 gives the same sequence; the c. name uses the placement nearest the transcript's 3' end. VCF-style (leftmost placement, unchanged base first): chr1-29060425-AAGAG-A. GRCh37 (hg19) VCF-style: chr1-29386937-AAGAG-A.
Other names: c.1952_1955del, p.Arg651fs (NM_001166005.2, NM_001376016.1, NM_001376017.1 and 1 more transcripts); c.1910_1913del, p.Arg637fs (NM_001166006.2); c.1949_1952del, p.Arg650fs (NM_001376018.1, NM_001376020.1); c.1325_1328del, p.Arg442fs (NM_001376022.1, NM_001376023.1, NM_001376024.1 and 1 more transcripts); c.1226_1229del, p.Arg409fs (NM_004437.4); c.1283_1286del, p.Arg428fs (NM_203342.3); c.1741-4553_1741-4550del (NM_203343.3); c.1219-4553_1219-4550del (NM_001166007.2, NM_001376027.1); and 4 more; short protein forms R409fs, R428fs, R442fs, R637fs, R650fs, R651fs.
Identifiers: ClinVar variation 4081368 (VCV004081368.2).

ClinVar aggregate classification (germline): Pathogenic/Likely pathogenic. Review status: criteria provided, multiple submitters, no conflicts (2 of 4 stars). 2 submissions from 2 submitters: Pathogenic (1); Likely pathogenic (1). Last evaluated 2025-05-02.

Conditions:
Elliptocytosis 1 (EL1). Also called: 4.1- TRAIT; 4.1-MINUS TRAIT; ELLIPTOCYTOSIS, RHESUS-LINKED TYPE; PROTEIN 4.1 OF ERYTHROCYTE MEMBRANE, DEFECT OF. Identifiers: Orphanet 288, MedGen C2678497, MONDO:0012731, OMIM 611804.

Submissions (2):

Labcorp Genetics (formerly Invitae), Labcorp
Classification: Pathogenic. Last evaluated: 2025-05-02. Review status: criteria provided, single submitter. Criteria: Invitae Variant Classification Sherloc (09022015). Collection method: clinical testing. Allele origin: germline.
Comment: This sequence change creates a premature translational stop signal (p.Arg409Lysfs*3) in the EPB41 gene. It is expected to result in an absent or disrupted protein product. Loss-of-function variants in EPB41 are known to be pathogenic (PMID: 21839655, 27551681, 27667160, 33942936). This variant is present in population databases (no rsID available, gnomAD 0.006%). This variant has not been reported in the literature in individuals affected with EPB41-related conditions. For these reasons, this variant has been classified as Pathogenic.

Revvity Omics, Revvity
Classification: Likely pathogenic for Elliptocytosis 1. Last evaluated: 2024-12-21. Review status: criteria provided, single submitter. Criteria: ACMG Guidelines, 2015. Collection method: clinical testing. Allele origin: germline.

Literature cited by the submitters: PubMed 21839655 (cited by Labcorp Genetics (formerly Invitae), Labcorp); PubMed 27551681 (cited by Labcorp Genetics (formerly Invitae), Labcorp); PubMed 27667160 (cited by Labcorp Genetics (formerly Invitae), Labcorp); PubMed 33942936 (cited by Labcorp Genetics (formerly Invitae), Labcorp).